The following is an entry in ClinVar:

ClinVar aggregate classification (germline): Likely pathogenic (1 of 4 stars; one submission).

Conditions:
Familial juvenile hyperuricemic nephropathy type 1 (ADTKD1). Also called: UMOD-Associated Kidney Disease; Uromodulin-associated kidney disease; Glomerulocystic kidney disease with hyperuricemia and isosthenuria; Medullary cystic kidney disease 2; Autosomal Dominant Tubulointerstitial Kidney Disease – UMOD. Identifiers: Orphanet 209886, Orphanet 34149, Orphanet 88950, MedGen C4551496, MONDO:0008073, OMIM 162000.

Submission:

MVZ Medizinische Genetik Mainz
Classification: Likely pathogenic for Familial juvenile hyperuricemic nephropathy type 1. Last evaluated: 2024-07-24. Review status: criteria provided, single submitter. Criteria: UK Practice Guidelines For Variant Classification V4 01 2020. Collection method: clinical testing. Allele origin: germline. Inheritance: Autosomal dominant inheritance. Affected: yes. Observed: 1 variant allele.
Comment: ACMG Criteria: PM1,PM5,PP3_MOD,PM2_SUP

NM_003361.4(UMOD):c.154T>G (p.Cys52Gly)

Gene: UMOD (uromodulin; minus strand). Cytogenetic location: 16p12.3.
Variant type: single nucleotide variant.
Coding change: c.154T>G on transcript NM_003361.4 (MANE Select); coding-DNA position 154, T replaced by G.
Protein change: p.Cys52Gly; replaces cysteine 52 with glycine.
Molecular consequence: missense variant. On other transcripts: non-coding transcript variant (1).
Genome position (GRCh38, 1-based): chr16:20,349,147, A>C on the plus strand (T>G on the coding strand, the complement: UMOD is on the minus strand). VCF-style: chr16-20349147-A-C. GRCh37 (hg19) VCF-style: chr16-20360469-A-C.
Other names: c.154T>G, p.Cys52Gly (NM_001008389.3, NM_001378232.1, NM_001378233.1 and 3 more transcripts); c.253T>G, p.Cys85Gly (NM_001278614.2); short protein forms C52G, C85G.
Identifiers: ClinVar variation 3338405 (VCV003338405.1).
Genomic context (GRCh38, chr16:20,349,147, plus strand): 5'-GAATGGCGCACTCATCCAGGTCCACGCAGGTCAGGCCATCGCCGGTGAAGCCCTCCTGAC[A>C]GGTGCACGTCGTAACGGCCTCATCCTCCGTGCAGGTGGCATTGCTGTGACATTCAGAGCA-3'
Protein context (NP_003352.2, residues 42-62): TEDEAVTTCT[Cys52Gly]QEGFTGDGLT